The following is an entry in ClinVar:

ClinVar aggregate classification (germline): Likely benign. Review status: criteria provided, multiple submitters, no conflicts (2 of 4 stars). 5 submissions from 5 submitters: Likely benign (4). 1 of the submissions does not count toward it. Last evaluated 2026-08-01.

Conditions:
MED13-related disorder. Also called: MED13-related condition.
Inborn genetic diseases. Identifiers: MedGen C0950123, MeSH D030342.

Allele frequency attached by ClinVar (database versions not stated): 1000 Genomes Project 0.00060; 1000 Genomes Project 30x 0.00062; ESP Exome Variant Server 0.00160; gnomAD exomes 0.00166 and 0.00243; ExAC 0.00175; gnomAD 0.00196 and 0.00208; TOPMed 0.00218.
gnomAD v4.1: 3,787 of 1,614,086 alleles (0.23%); highest among the groups gnomAD compares: Non-Finnish European, 0.29%; 6 homozygotes.

Submissions (5):

CeGaT Center for Human Genetics Tuebingen
Classification: Likely benign. Last evaluated: 2026-08-01. Review status: criteria provided, single submitter. Criteria: CeGaT Center For Human Genetics Tuebingen Variant Classification Criteria Version 2. Collection method: clinical testing. Allele origin: germline. Affected: yes. Observed: 11 variant alleles.
Comment: MED13: BS1

Ambry Genetics
Classification: Likely benign for Inborn genetic diseases. Last evaluated: 2023-12-17. Review status: criteria provided, single submitter. Criteria: Ambry Variant Classification Scheme 2023. Collection method: clinical testing. Allele origin: germline.

Labcorp Genetics (formerly Invitae), Labcorp
Classification: Likely benign. Last evaluated: 2019-12-31. Review status: criteria provided, single submitter. Criteria: Invitae Variant Classification Sherloc (09022015). Collection method: clinical testing. Allele origin: germline.

Breakthrough Genomics
Classification: Likely benign. Review status: criteria provided, single submitter. Criteria: ACMG Guidelines, 2015. Collection method: not provided. Allele origin: germline. Inheritance: Autosomal dominant inheritance. Affected: yes.

PreventionGenetics, part of Exact Sciences
Classification: Likely benign for MED13-related condition. Last evaluated: 2021-02-01. Review status: no assertion criteria provided. Collection method: clinical testing. Allele origin: germline. Not counted in ClinVar's aggregate classification.
Comment: This variant is classified as likely benign based on ACMG/AMP sequence variant interpretation guidelines (Richards et al. 2015 PMID: 25741868, with internal and published modifications).

NM_005121.3(MED13):c.115A>G (p.Thr39Ala)

Gene: MED13 (mediator complex subunit 13; minus strand). Cytogenetic location: 17q23.2.
Variant type: single nucleotide variant.
Coding change: c.115A>G on transcript NM_005121.3 (MANE Select); coding-DNA position 115, A replaced by G.
Protein change: p.Thr39Ala; replaces threonine 39 with alanine.
Molecular consequence: missense variant.
Genome position (GRCh38, 1-based): chr17:62,063,253, T>C on the plus strand (A>G on the coding strand, the complement: MED13 is on the minus strand). VCF-style: chr17-62063253-T-C. GRCh37 (hg19) VCF-style: chr17-60140614-T-C.
Other names: short protein forms T39A.
Identifiers: ClinVar variation 711077 (VCV000711077.31), dbSNP rs35998015, ClinGen allele CA8693383.